The following is an entry in ClinVar:

NM_152383.5(DIS3L2):c.1831C>T (p.Pro611Ser)

Gene: DIS3L2 (DIS3 like 3'-5' exoribonuclease 2; plus strand). Cytogenetic location: 2q37.1.
Variant type: single nucleotide variant.
Coding change: c.1831C>T on transcript NM_152383.5 (MANE Select); coding-DNA position 1831, C replaced by T.
Protein change: p.Pro611Ser; replaces proline 611 with serine.
Molecular consequence: missense variant. On other transcripts: non-coding transcript variant (2), intron variant (1).
Genome position (GRCh38, 1-based): chr2:232,329,904, C>T. VCF-style: chr2-232329904-C-T. GRCh37 (hg19) VCF-style: chr2-233194614-C-T.
Other names: c.1582-13441C>T (NM_001257281.2); short protein forms P611S.
Identifiers: ClinVar variation 844241 (VCV000844241.9), dbSNP rs1559216188, ClinGen allele CA350976106.

ClinVar aggregate classification (germline): Uncertain significance (1 of 4 stars; one submission).

Conditions:
Perlman syndrome (PRLMNS). Identifiers: Orphanet 2849, MedGen C0796113, MONDO:0009965, OMIM 267000.

Submission:

Labcorp Genetics (formerly Invitae), Labcorp
Classification: Uncertain significance for Perlman syndrome. Last evaluated: 2019-11-27. Review status: criteria provided, single submitter. Criteria: Invitae Variant Classification Sherloc (09022015). Collection method: clinical testing. Allele origin: germline.
Comment: This variant has not been reported in the literature in individuals with DIS3L2-related conditions. Algorithms developed to predict the effect of missense changes on protein structure and function (SIFT, PolyPhen-2, Align-GVGD) all suggest that this variant is likely to be disruptive, but these predictions have not been confirmed by published functional studies and their clinical significance is uncertain. In summary, the available evidence is currently insufficient to determine the role of this variant in disease. Therefore, it has been classified as a Variant of Uncertain Significance. This variant is not present in population databases (ExAC no frequency). This sequence change replaces proline with serine at codon 611 of the DIS3L2 protein (p.Pro611Ser). The proline residue is highly conserved and there is a moderate physicochemical difference between proline and serine.